The following is an entry in ClinVar:

ClinVar aggregate classification (germline): Uncertain significance (1 of 4 stars; one submission).

Submission:

Labcorp Genetics (formerly Invitae), Labcorp
Classification: Uncertain significance. Last evaluated: 2025-09-10. Review status: criteria provided, single submitter. Criteria: Invitae Variant Classification Sherloc (09022015). Collection method: clinical testing. Allele origin: germline.
Comment: This sequence change replaces leucine, which is neutral and non-polar, with glutamine, which is neutral and polar, at codon 230 of the GNAT1 protein (p.Leu230Gln). This variant is not present in population databases (gnomAD no frequency). This variant has not been reported in the literature in individuals affected with GNAT1-related conditions. Invitae Evidence Modeling of protein sequence and biophysical properties (such as structural, functional, and spatial information, amino acid conservation, physicochemical variation, residue mobility, and thermodynamic stability) indicates that this missense variant is expected to disrupt GNAT1 protein function with a positive predictive value of 80%. In summary, the available evidence is currently insufficient to determine the role of this variant in disease. Therefore, it has been classified as a Variant of Uncertain Significance.

NM_144499.3(GNAT1):c.689T>A (p.Leu230Gln)

Gene: GNAT1 (G protein subunit alpha transducin 1; plus strand). Cytogenetic location: 3p21.31.
Variant type: single nucleotide variant.
Coding change: c.689T>A on transcript NM_144499.3 (MANE Select); coding-DNA position 689, T replaced by A.
Protein change: p.Leu230Gln; replaces leucine 230 with glutamine.
Molecular consequence: missense variant.
Genome position (GRCh38, 1-based): chr3:50,194,202, T>A. VCF-style: chr3-50194202-T-A. GRCh37 (hg19) VCF-style: chr3-50231635-T-A.
Other names: c.689T>A, p.Leu230Gln (NM_000172.4); short protein forms L230Q.
Identifiers: ClinVar variation 4744573 (VCV004744573.1).